The following is an entry in ClinVar:

ClinVar aggregate classification (germline): Likely benign. Review status: criteria provided, multiple submitters, no conflicts (2 of 4 stars). 4 submissions from 4 submitters: Likely benign (3). 1 of the submissions does not count toward it. Last evaluated 2025-09-04.

Conditions:
GFAP-related disorder. Also called: GFAP-related disorders; GFAP-related condition.

Allele frequency attached by ClinVar (database versions not stated): 1000 Genomes Project 0.00020; 1000 Genomes Project 30x 0.00031; ExAC 0.00036; gnomAD exomes 0.00038; ESP Exome Variant Server 0.00039; TOPMed 0.00042; gnomAD 0.00050 and 0.00053.
gnomAD v4.1: 839 of 1,613,812 alleles (0.052%); highest among the groups gnomAD compares: Non-Finnish European, 0.064%; 2 homozygotes.

Submissions (4):

Labcorp Genetics (formerly Invitae), Labcorp
Classification: Likely benign. Last evaluated: 2025-09-04. Review status: criteria provided, single submitter. Criteria: Invitae Variant Classification Sherloc (09022015). Collection method: clinical testing. Allele origin: germline.

CeGaT Center for Human Genetics Tuebingen
Classification: Likely benign. Last evaluated: 2025-01-01. Review status: criteria provided, single submitter. Criteria: CeGaT Center For Human Genetics Tuebingen Variant Classification Criteria Version 2. Collection method: clinical testing. Allele origin: germline. Affected: yes. Observed: 5 variant alleles.
Comment: GFAP: BP4

Blueprint Genetics
Classification: Likely benign. Last evaluated: 2024-11-05. Review status: criteria provided, single submitter. Criteria: ACMG Guidelines, 2015. Collection method: clinical testing. Allele origin: germline.

PreventionGenetics, part of Exact Sciences
Classification: Likely benign for GFAP-related condition. Last evaluated: 2022-06-06. Review status: no assertion criteria provided. Collection method: clinical testing. Allele origin: germline. Not counted in ClinVar's aggregate classification.
Comment: This variant is classified as likely benign based on ACMG/AMP sequence variant interpretation guidelines (Richards et al. 2015 PMID: 25741868, with internal and published modifications).

NM_002055.5(GFAP):c.1171+421G>A

Gene: GFAP (glial fibrillary acidic protein; minus strand). Cytogenetic location: 17q21.31.
Variant type: single nucleotide variant.
Coding change: c.1171+421G>A on transcript NM_002055.5 (MANE Select); 421 bases into the intron after coding-DNA position 1171, G replaced by A.
Molecular consequence: intron variant. On other transcripts: missense variant (2), 3 prime UTR variant (1).
Genome position (GRCh38, 1-based): chr17:44,910,194, C>T on the plus strand (G>A on the coding strand, the complement: GFAP is on the minus strand). VCF-style: chr17-44910194-C-T. GRCh37 (hg19) VCF-style: chr17-42987562-C-T.
Other names: c.1238G>A (NM_001363846.1); c.1238G>A, p.Arg413Gln (NM_001131019.3, NM_001363846.2); c.*275G>A (NM_001242376.3); short protein forms R413Q.
Identifiers: ClinVar variation 738597 (VCV000738597.43), dbSNP rs199641633, ClinGen allele CA8608700.